The following is an entry in ClinVar:

ClinVar aggregate classification (germline): Uncertain significance (1 of 4 stars; one submission).

Allele frequency attached by ClinVar (database versions not stated): gnomAD exomes below 0.00001.

Submission:

Greenwood Genetic Center Diagnostic Laboratories, Greenwood Genetic Center
Classification: Uncertain significance. Last evaluated: 2020-11-13. Review status: criteria provided, single submitter. Criteria: ACMG Guidelines, 2015. Collection method: clinical testing. Allele origin: germline. Affected: yes.
Comment: BP4, PM1, PM2

NM_001042681.2(RERE):c.4218G>A (p.Met1406Ile)

Gene: RERE (arginine-glutamic acid dipeptide repeats; minus strand). Cytogenetic location: 1p36.23.
Variant type: single nucleotide variant.
Coding change: c.4218G>A on transcript NM_001042681.2 (MANE Select); coding-DNA position 4218, G replaced by A.
Protein change: p.Met1406Ile; replaces methionine 1406 with isoleucine.
Molecular consequence: missense variant.
Genome position (GRCh38, 1-based): chr1:8,358,317, C>T on the plus strand (G>A on the coding strand, the complement: RERE is on the minus strand). VCF-style: chr1-8358317-C-T. GRCh37 (hg19) VCF-style: chr1-8418377-C-T.
Other names: c.2556G>A, p.Met852Ile (NM_001042682.2); c.4218G>A, p.Met1406Ile (NM_012102.4); short protein forms M1406I, M852I.
Identifiers: ClinVar variation 1331515 (VCV001331515.4), dbSNP rs2124359266, ClinGen allele CA338168966.